The following is an entry in ClinVar:

ClinVar aggregate classification (germline): Conflicting classifications of pathogenicity. Review status: criteria provided, conflicting classifications (1 of 4 stars). 5 submissions from 5 submitters: Uncertain significance (1); Likely benign (3). 1 of the submissions does not count toward it. Last evaluated 2025-08-20.

Conditions:
BDP1-related disorder. Also called: BDP1-related condition.

Allele frequency attached by ClinVar (database versions not stated): TOPMed 0.00037; ExAC 0.00051; gnomAD 0.00054 and 0.00055; gnomAD exomes 0.00054; ESP Exome Variant Server 0.00058; 1000 Genomes Project 0.00060.
gnomAD v4.1: 978 of 1,613,614 alleles (0.061%); highest among the groups gnomAD compares: Admixed American, 0.14%; 3 homozygotes.

Submissions (5):

Ambry Genetics
Classification: Uncertain significance. Last evaluated: 2025-08-20. Review status: criteria provided, single submitter. Criteria: Ambry Variant Classification Scheme 2023. Collection method: clinical testing. Allele origin: germline.

Blueprint Genetics
Classification: Likely benign. Last evaluated: 2024-11-01. Review status: criteria provided, single submitter. Criteria: ACMG Guidelines, 2015. Collection method: clinical testing. Allele origin: germline.

CeGaT Center for Human Genetics Tuebingen
Classification: Likely benign. Last evaluated: 2023-04-01. Review status: criteria provided, single submitter. Criteria: CeGaT Center For Human Genetics Tuebingen Variant Classification Criteria Version 2. Collection method: clinical testing. Allele origin: germline. Affected: yes. Observed: 1 variant allele.
Comment: BDP1: BP4

GeneDx
Classification: Likely benign. Last evaluated: 2021-06-04. Review status: criteria provided, single submitter. Criteria: GeneDx Variant Classification Process June 2021. Collection method: clinical testing. Allele origin: germline. Affected: yes.

PreventionGenetics, part of Exact Sciences
Classification: Likely benign for BDP1-related condition. Last evaluated: 2023-05-31. Review status: no assertion criteria provided. Collection method: clinical testing. Allele origin: germline. Not counted in ClinVar's aggregate classification.
Comment: This variant is classified as likely benign based on ACMG/AMP sequence variant interpretation guidelines (Richards et al. 2015 PMID: 25741868, with internal and published modifications).

NM_018429.3(BDP1):c.7258C>G (p.Gln2420Glu)

Gene: BDP1 (BDP1 general transcription factor IIIB subunit; plus strand). Cytogenetic location: 5q13.2.
Variant type: single nucleotide variant.
Coding change: c.7258C>G on transcript NM_018429.3 (MANE Select); coding-DNA position 7258, C replaced by G.
Protein change: p.Gln2420Glu; replaces glutamine 2420 with glutamic acid.
Molecular consequence: missense variant.
Genome position (GRCh38, 1-based): chr5:71,559,999, C>G. VCF-style: chr5-71559999-C-G. GRCh37 (hg19) VCF-style: chr5-70855826-C-G.
Other names: short protein forms Q2420E.
Identifiers: ClinVar variation 512839 (VCV000512839.31), dbSNP rs187778306, ClinGen allele CA3297491.